The following is an entry in ClinVar:

ClinVar aggregate classification (germline): Uncertain significance (1 of 4 stars; one submission).

Allele frequency attached by ClinVar (database versions not stated): gnomAD exomes below 0.00001; gnomAD 0.00001; TOPMed 0.00001.
gnomAD v4.1: 5 of 1,612,454 alleles (0.00031%); highest among the groups gnomAD compares: African/African-American, 0.0013%; no homozygotes.

Submission:

Labcorp Genetics (formerly Invitae), Labcorp
Classification: Uncertain significance. Last evaluated: 2022-06-10. Review status: criteria provided, single submitter. Criteria: Invitae Variant Classification Sherloc (09022015). Collection method: clinical testing. Allele origin: germline.
Comment: This sequence change replaces arginine, which is basic and polar, with glycine, which is neutral and non-polar, at codon 972 of the DNA2 protein (p.Arg972Gly). In summary, the available evidence is currently insufficient to determine the role of this variant in disease. Therefore, it has been classified as a Variant of Uncertain Significance. Algorithms developed to predict the effect of missense changes on protein structure and function are either unavailable or do not agree on the potential impact of this missense change (SIFT: "Deleterious"; PolyPhen-2: "Not Available"; Align-GVGD: "Class C0"). This variant has not been reported in the literature in individuals affected with DNA2-related conditions. The frequency data for this variant in the population databases is considered unreliable, as metrics indicate poor data quality at this position in the gnomAD database.

NM_001080449.3(DNA2):c.2914A>G (p.Arg972Gly)

Gene: DNA2 (DNA replication helicase/nuclease 2; minus strand). Cytogenetic location: 10q21.3.
Variant type: single nucleotide variant.
Coding change: c.2914A>G on transcript NM_001080449.3 (MANE Select); coding-DNA position 2914, A replaced by G.
Protein change: p.Arg972Gly; replaces arginine 972 with glycine.
Molecular consequence: missense variant. On other transcripts: non-coding transcript variant (1).
Genome position (GRCh38, 1-based): chr10:68,419,087, T>C on the plus strand (A>G on the coding strand, the complement: DNA2 is on the minus strand). VCF-style: chr10-68419087-T-C. GRCh37 (hg19) VCF-style: chr10-70178844-T-C.
Other names: short protein forms R972G.
Identifiers: ClinVar variation 2079256 (VCV002079256.4), dbSNP rs1301590232, ClinGen allele CA376841284.